The following is an entry in ClinVar:

NM_001814.6(CTSC):c.1289G>A (p.Gly430Asp)

Gene: CTSC (cathepsin C; minus strand). Cytogenetic location: 11q14.2.
Variant type: single nucleotide variant.
Coding change: c.1289G>A on transcript NM_001814.6 (MANE Select); coding-DNA position 1289, G replaced by A.
Protein change: p.Gly430Asp; replaces glycine 430 with aspartic acid.
Molecular consequence: missense variant.
Genome position (GRCh38, 1-based): chr11:88,294,109, C>T on the plus strand (G>A on the coding strand, the complement: CTSC is on the minus strand). VCF-style: chr11-88294109-C-T. GRCh37 (hg19) VCF-style: chr11-88027277-C-T.
Other names: short protein forms G430D.
Identifiers: ClinVar variation 534588 (VCV000534588.4), dbSNP rs199547244, ClinGen allele CA6219739.

ClinVar aggregate classification (germline): Uncertain significance. Review status: criteria provided, multiple submitters, no conflicts (2 of 4 stars). 2 submissions from 2 submitters: Uncertain significance (2). Last evaluated 2022-11-03.

Conditions:
Periodontitis, aggressive. Identifiers: MedGen C0031106, MONDO:0980757.
Haim-Munk syndrome (HMS). Also called: COCHIN JEWISH DISORDER; KERATOSIS PALMOPLANTARIS WITH PERIODONTOPATHIA AND ONYCHOGRYPOSIS. Identifiers: Orphanet 2342, MedGen C1855627, MONDO:0009491, OMIM 245010.
Papillon-Lefèvre syndrome (PALS). Also called: Papillon-Lefevre Disease; KERATOSIS PALMOPLANTARIS WITH PERIODONTOPATHIA. Identifiers: Orphanet 678, MedGen C0030360, MONDO:0009490, OMIM 245000.

Allele frequency attached by ClinVar (database versions not stated): gnomAD exomes 0.00015; 1000 Genomes Project 0.00020; 1000 Genomes Project 30x 0.00031.

Submissions (2):

Labcorp Genetics (formerly Invitae), Labcorp
Classification: Uncertain significance for Haim-Munk syndrome; Periodontitis, aggressive; Papillon-Lefèvre syndrome. Last evaluated: 2022-11-03. Review status: criteria provided, single submitter. Criteria: Invitae Variant Classification Sherloc (09022015). Collection method: clinical testing. Allele origin: germline.
Comment: This sequence change replaces glycine, which is neutral and non-polar, with aspartic acid, which is acidic and polar, at codon 430 of the CTSC protein (p.Gly430Asp). This variant is present in population databases (rs199547244, gnomAD 0.03%). This variant has not been reported in the literature in individuals affected with CTSC-related conditions. ClinVar contains an entry for this variant (Variation ID: 534588). Advanced modeling of protein sequence and biophysical properties (such as structural, functional, and spatial information, amino acid conservation, physicochemical variation, residue mobility, and thermodynamic stability) performed at Invitae indicates that this missense variant is expected to disrupt CTSC protein function. In summary, the available evidence is currently insufficient to determine the role of this variant in disease. Therefore, it has been classified as a Variant of Uncertain Significance.

Fulgent Genetics
Classification: Uncertain significance for Periodontitis, aggressive 1; Papillon-Lefèvre syndrome; Haim-Munk syndrome. Last evaluated: 2021-11-10. Review status: criteria provided, single submitter. Criteria: ACMG Guidelines, 2015. Collection method: clinical testing. Allele origin: unknown.